The following is an entry in ClinVar:

ClinVar aggregate classification (germline): Pathogenic. Review status: criteria provided, single submitter (1 of 4 stars). 3 submissions from 3 submitters: Pathogenic (1). 2 of the submissions do not count toward it. Last evaluated 2023-06-23.

Conditions:
Leber congenital amaurosis 8 (LCA8). Identifiers: Orphanet 65, MedGen C3151202, MONDO:0013453, OMIM 613835.
Retinitis pigmentosa 12 (RP12). Also called: RP WITH OR WITHOUT PPRPE; RP WITH OR WITHOUT PRESERVED PARAARTERIOLE RETINAL PIGMENT EPITHELIUM; RETINITIS PIGMENTOSA WITH OR WITHOUT PARAARTERIOLAR PRESERVATION OF RETINAL PIGMENT EPITHELIUM. Identifiers: Orphanet 791, MedGen C1838647, MONDO:0010818, OMIM 600105.

Submissions (3):

Labcorp Genetics (formerly Invitae), Labcorp
Classification: Pathogenic for Leber congenital amaurosis 8; Retinitis pigmentosa 12. Last evaluated: 2023-06-23. Review status: criteria provided, single submitter. Criteria: Invitae Variant Classification Sherloc (09022015). Collection method: clinical testing. Allele origin: germline.
Comment: This sequence change replaces glutamic acid, which is acidic and polar, with glutamine, which is neutral and polar, at codon 710 of the CRB1 protein (p.Glu710Gln). This variant also falls at the last nucleotide of exon 6, which is part of the consensus splice site for this exon. This variant is not present in population databases (gnomAD no frequency). This missense change has been observed in individual(s) with CRB1-related conditions (PMID: 15024725; Invitae). In at least one individual the data is consistent with being in trans (on the opposite chromosome) from a pathogenic variant. ClinVar contains an entry for this variant (Variation ID: 99875). An algorithm developed to predict the effect of missense changes on protein structure and function (PolyPhen-2) suggests that this variant is likely to be disruptive. Variants that disrupt the consensus splice site are a relatively common cause of aberrant splicing (PMID: 17576681, 9536098). Algorithms developed to predict the effect of sequence changes on RNA splicing suggest that this variant may disrupt the consensus splice site. This variant disrupts the p.Glu710 amino acid residue in CRB1. Other variant(s) that disrupt this residue have been determined to be pathogenic (PMID: 20591486, 20956273, 28041643, 28559085). This suggests that this residue is clinically significant, and that variants that disrupt this residue are likely to be disease-causing. For these reasons, this variant has been classified as Pathogenic.

Laboratory of Genetics in Ophthalmology, Institut Imagine
Classification: Likely pathogenic for Leber congenital amaurosis 8. Review status: no assertion criteria provided. Collection method: research. Allele origin: inherited. Affected: yes. Observed: 2 variant alleles. Not counted in ClinVar's aggregate classification.

Retina International
No classification provided. Review status: no classification provided. Collection method: not provided. Allele origin: not provided. Not counted in ClinVar's aggregate classification.

Literature cited by the submitters: PubMed 15024725 (cited by Labcorp Genetics (formerly Invitae), Labcorp and Laboratory of Genetics in Ophthalmology, Institut Imagine); PubMed 17576681 (cited by Labcorp Genetics (formerly Invitae), Labcorp); PubMed 9536098 (cited by Labcorp Genetics (formerly Invitae), Labcorp); PubMed 20591486 (cited by Labcorp Genetics (formerly Invitae), Labcorp); PubMed 20956273 (cited by Labcorp Genetics (formerly Invitae), Labcorp); PubMed 28041643 (cited by Labcorp Genetics (formerly Invitae), Labcorp); PubMed 28559085 (cited by Labcorp Genetics (formerly Invitae), Labcorp).

NM_201253.3(CRB1):c.2128G>C (p.Glu710Gln)

Gene: CRB1 (crumbs cell polarity complex component 1; plus strand). Cytogenetic location: 1q31.3.
Variant type: single nucleotide variant.
Coding change: c.2128G>C on transcript NM_201253.3 (MANE Select); coding-DNA position 2128, G replaced by C.
Protein change: p.Glu710Gln; replaces glutamic acid 710 with glutamine.
Molecular consequence: missense variant. On other transcripts: non-coding transcript variant (2).
Genome position (GRCh38, 1-based): chr1:197,421,956, G>C. VCF-style: chr1-197421956-G-C. GRCh37 (hg19) VCF-style: chr1-197391086-G-C.
Other names: c.1792G>C, p.Glu598Gln (NM_001193640.2); c.1921G>C, p.Glu641Gln (NM_001257965.2); c.2128G>C, p.Gly710Arg (NM_001257966.2); short protein forms E710Q, G710R, E598Q, E641Q.
Identifiers: ClinVar variation 99875 (VCV000099875.5), dbSNP rs62645755, ClinGen allele CA228001.